The following is an entry in ClinVar:

ClinVar aggregate classification (germline): Likely pathogenic (1 of 4 stars; one submission).

Conditions:
Mucopolysaccharidosis, MPS-II (MPS2). Also called: Hunter Syndrome; IDURONATE 2-SULFATASE DEFICIENCY; Mucopolysaccharidosis Type II; Mucopolysaccharidosis type 2; Attenuated MPS (subtype; formerly known as mild MPS II); Severe MPS II. Identifiers: Orphanet 580, Orphanet 79388, MedGen C0026705, MONDO:0010674, OMIM 309900.

Submission:

Laboratory of Diagnosis and Therapy of Lysosomal Disorders, University of Padova
Classification: Likely pathogenic for Mucopolysaccharidosis, MPS-II. Last evaluated: 2024-06-07. Review status: criteria provided, single submitter. Criteria: ACMG Guidelines, 2015. Collection method: literature only. Allele origin: germline. Affected: yes. Observed: 3 variant alleles.
Comment: Absent from controls (or at low frequency) in gnomAD database (PM2_Moderate), Missense variant in a gene with a low rate of benign missense variation (PP2_Supporting), Multiple lines of computational evidence support a deleterious effect (PP3_Supporting), Patient’s phenotype or family history highly specific for the disease (PP4_Strong)

Classification method: ACMG Guidelines [PMID:25741868] with modifications

Literature cited by the submitters: PubMed 9660053; PubMed 21829674; PubMed 36945845.

NM_000202.8(IDS):c.323A>C (p.Tyr108Ser)

Gene: IDS (iduronate 2-sulfatase; minus strand). Cytogenetic location: Xq28.
Variant type: single nucleotide variant.
Coding change: c.323A>C on transcript NM_000202.8 (MANE Select); coding-DNA position 323, A replaced by C.
Protein change: p.Tyr108Ser; replaces tyrosine 108 with serine.
Molecular consequence: missense variant. On other transcripts: non-coding transcript variant (1).
Genome position (GRCh38, 1-based): chrX:149,503,407, T>G on the plus strand (A>C on the coding strand, the complement: IDS is on the minus strand). VCF-style: chrX-149503407-T-G. GRCh37 (hg19) VCF-style: chrX-148584937-T-G.
Other names: c.53A>C, p.Tyr18Ser (NM_001166550.4); c.323A>C, p.Tyr108Ser (NM_006123.5); short protein forms Y108S, Y18S.
Identifiers: ClinVar variation 3255669 (VCV003255669.2).